The following is an entry in ClinVar:

NM_004260.4(RECQL4):c.2725A>G (p.Thr909Ala)

Gene: RECQL4 (RecQ like helicase 4; minus strand). Cytogenetic location: 8q24.3.
Variant type: single nucleotide variant.
Coding change: c.2725A>G on transcript NM_004260.4 (MANE Select); coding-DNA position 2725, A replaced by G.
Protein change: p.Thr909Ala; replaces threonine 909 with alanine.
Molecular consequence: missense variant.
Genome position (GRCh38, 1-based): chr8:144,512,877, T>C on the plus strand (A>G on the coding strand, the complement: RECQL4 is on the minus strand). VCF-style: chr8-144512877-T-C. GRCh37 (hg19) VCF-style: chr8-145738260-T-C.
Other names: short protein forms T909A.
Identifiers: ClinVar variation 578243 (VCV000578243.4), dbSNP rs1564792382, ClinGen allele CA372674956.
Genomic context (GRCh38, chr8:144,512,877, plus strand): 5'-CACCCCTGTGGCTTACCCCAGGTTCCTCACCCTCCTCCGGCATGTCCAAAGCCTGTACGG[T>C]AAGCTGTATTGGGAGTGCCCGCTCATGGCCCATGCAGACCCTTCTGGGTCCTGGGGCTGC-3'
Protein context (NP_004251.4, residues 899-919): GHERALPIQL[Thr909Ala]VQALDMPEEA

ClinVar aggregate classification (germline): Uncertain significance (1 of 4 stars; one submission).

Conditions:
Baller-Gerold syndrome (BGS). Also called: CRANIOSYNOSTOSIS WITH RADIAL DEFECTS. Identifiers: Orphanet 1225, MedGen C0265308, MONDO:0009039, OMIM 218600.

Submission:

Labcorp Genetics (formerly Invitae), Labcorp
Classification: Uncertain significance for Baller-Gerold syndrome. Last evaluated: 2023-06-23. Review status: criteria provided, single submitter. Criteria: Invitae Variant Classification Sherloc (09022015). Collection method: clinical testing. Allele origin: germline.
Comment: ClinVar contains an entry for this variant (Variation ID: 578243). In summary, the available evidence is currently insufficient to determine the role of this variant in disease. Therefore, it has been classified as a Variant of Uncertain Significance. Advanced modeling of protein sequence and biophysical properties (such as structural, functional, and spatial information, amino acid conservation, physicochemical variation, residue mobility, and thermodynamic stability) performed at Invitae indicates that this missense variant is not expected to disrupt RECQL4 protein function. This variant has not been reported in the literature in individuals affected with RECQL4-related conditions. This variant is not present in population databases (gnomAD no frequency). This sequence change replaces threonine, which is neutral and polar, with alanine, which is neutral and non-polar, at codon 909 of the RECQL4 protein (p.Thr909Ala).